The following is an entry in ClinVar:

ClinVar aggregate classification (germline): Uncertain significance (1 of 4 stars; one submission).

Conditions:
Congenital myasthenic syndrome 4B. Also called: Myasthenic syndrome, congenital, 4b, fast-channel. Identifiers: Orphanet 590, MedGen C4225369, MONDO:0014586, OMIM 616324.

gnomAD v4.1: 1 of 1,550,828 alleles (0.000064%); highest among the groups gnomAD compares: Non-Finnish European, 0.000087%; no homozygotes.

Submission:

Centre for Mendelian Genomics, University Medical Centre Ljubljana
Classification: Uncertain significance for Congenital myasthenic syndrome 4B. Last evaluated: 2018-10-29. Review status: criteria provided, single submitter. Criteria: ACMG Guidelines, 2015. Collection method: clinical testing. Allele origin: unknown. Affected: yes.
Comment: This variant was classified as: Uncertain significance. The available evidence on this variant's pathogenicity is insufficient or conflicting. The following ACMG criteria were applied in classifying this variant: BP4.

NM_000080.4(CHRNE):c.917+271C>G

Genes: C17orf107 (chromosome 17 open reading frame 107; plus strand), CHRNE (cholinergic receptor nicotinic epsilon subunit; minus strand). Cytogenetic location: 17p13.2.
Variant type: single nucleotide variant.
Coding change: c.917+271C>G on transcript NM_000080.4 (MANE Select); 271 bases into the intron after coding-DNA position 917, C replaced by G.
Molecular consequence: intron variant. On other transcripts: missense variant (1).
Genome position (GRCh38, 1-based): chr17:4,900,522, G>C on the plus strand (C>G on the coding strand, the complement: CHRNE is on the minus strand). VCF-style: chr17-4900522-G-C. GRCh37 (hg19) VCF-style: chr17-4803817-G-C.
Other names: c.562G>C, p.Gly188Arg (NM_001145536.2); short protein forms G188R.
Identifiers: ClinVar variation 930868 (VCV000930868.3), dbSNP rs1490577163, ClinGen allele CA397304248.
Genomic context (GRCh38, chr17:4,900,522, plus strand): 5'-CGACAGTCGCAACAGCAGCTAGGCCTCGGAATCCCCGGAGAACCGGTGAGCTCAGGACAC[G>C]GGGTGAGTTAGGGGCCAGAGGCGGCGGGGCTAGGGAGGCACTGAGCCGGACTGTCCCCCA-3'